The following is an entry in ClinVar:

NM_022124.6(CDH23):c.5116C>A (p.Arg1706Ser)

Gene: CDH23 (cadherin related 23; plus strand). Cytogenetic location: 10q22.1.
Variant type: single nucleotide variant.
Coding change: c.5116C>A on transcript NM_022124.6 (MANE Select); coding-DNA position 5116, C replaced by A.
Protein change: p.Arg1706Ser; replaces arginine 1706 with serine.
Molecular consequence: missense variant.
Genome position (GRCh38, 1-based): chr10:71,778,237, C>A. VCF-style: chr10-71778237-C-A. GRCh37 (hg19) VCF-style: chr10-73537994-C-A.
Other names: short protein forms R1706S.
Identifiers: ClinVar variation 1386654 (VCV001386654.6), dbSNP rs759876454, ClinGen allele CA5545648.

ClinVar aggregate classification (germline): Uncertain significance (1 of 4 stars; one submission).

Allele frequency attached by ClinVar (database versions not stated): TOPMed below 0.00001.
gnomAD v4.1: 10 of 1,613,742 alleles (0.00062%); highest among the groups gnomAD compares: Non-Finnish European, 0.00076%; no homozygotes.

Submission:

Labcorp Genetics (formerly Invitae), Labcorp
Classification: Uncertain significance. Last evaluated: 2022-08-31. Review status: criteria provided, single submitter. Criteria: Invitae Variant Classification Sherloc (09022015). Collection method: clinical testing. Allele origin: germline.
Comment: In summary, the available evidence is currently insufficient to determine the role of this variant in disease. Therefore, it has been classified as a Variant of Uncertain Significance. Algorithms developed to predict the effect of missense changes on protein structure and function are either unavailable or do not agree on the potential impact of this missense change (SIFT: "Deleterious"; PolyPhen-2: "Not Available"; Align-GVGD: "Class C65"). ClinVar contains an entry for this variant (Variation ID: 1386654). This variant has not been reported in the literature in individuals affected with CDH23-related conditions. This variant is present in population databases (rs759876454, gnomAD 0.004%). This sequence change replaces arginine, which is basic and polar, with serine, which is neutral and polar, at codon 1706 of the CDH23 protein (p.Arg1706Ser).